The following is an entry in ClinVar:

NM_006939.4(SOS2):c.2835T>G (p.Phe945Leu)

Gene: SOS2 (SOS Ras/Rho guanine nucleotide exchange factor 2; minus strand). Cytogenetic location: 14q21.3.
Variant type: single nucleotide variant.
Coding change: c.2835T>G on transcript NM_006939.4 (MANE Select); coding-DNA position 2835, T replaced by G.
Protein change: p.Phe945Leu; replaces phenylalanine 945 with leucine.
Molecular consequence: missense variant.
Genome position (GRCh38, 1-based): chr14:50,138,735, A>C on the plus strand (T>G on the coding strand, the complement: SOS2 is on the minus strand). VCF-style: chr14-50138735-A-C. GRCh37 (hg19) VCF-style: chr14-50605453-A-C.
Other names: c.2736T>G, p.Phe912Leu (NM_001411020.1); short protein forms F912L, F945L.
Identifiers: ClinVar variation 3959868 (VCV003959868.1).

ClinVar aggregate classification (germline): Uncertain significance (1 of 4 stars; one submission).

Conditions:
Cardiovascular phenotype. Identifiers: MedGen CN230736.

Submission:

Ambry Genetics
Classification: Uncertain significance for Cardiovascular phenotype. Last evaluated: 2025-05-15. Review status: criteria provided, single submitter. Criteria: Ambry Variant Classification Scheme 2023. Collection method: clinical testing. Allele origin: germline.
Comment: The p.F945L variant (also known as c.2835T>G), located in coding exon 18 of the SOS2 gene, results from a T to G substitution at nucleotide position 2835. The phenylalanine at codon 945 is replaced by leucine, an amino acid with highly similar properties. This amino acid position is conserved. In addition, this alteration is predicted to be tolerated by in silico analysis. Based on the available evidence, the clinical significance of this variant remains unclear.